The following is an entry in ClinVar:

ClinVar aggregate classification (germline): Uncertain significance (1 of 4 stars; one submission).

Conditions:
Neuronopathy, distal hereditary motor, autosomal recessive 5. Also called: Spinal muscular atrophy, distal, autosomal recessive, 5; NEUROPATHY, DISTAL HEREDITARY MOTOR, AUTOSOMAL RECESSIVE 5; Young adult-onset distal hereditary motor neuropathy. Identifiers: Orphanet 314485, Orphanet 443950, MedGen C4749918, MONDO:0013947, OMIM 614881.

Submission:

Labcorp Genetics (formerly Invitae), Labcorp
Classification: Uncertain significance for Neuronopathy, distal hereditary motor, autosomal recessive 5. Last evaluated: 2022-07-19. Review status: criteria provided, single submitter. Criteria: Invitae Variant Classification Sherloc (09022015). Collection method: clinical testing. Allele origin: germline.
Comment: This variant results in a copy number gain of the genomic region encompassing exon(s) 10 of the DNAJB2 gene. This region includes the termination codon of the gene. This copy number gain extends beyond the assayed region for this gene and therefore may encompass additional genes. There is evidence that this duplication is in tandem. This variant has not been reported in the literature in individuals affected with DNAJB2-related conditions. Experimental studies and prediction algorithms are not available or were not evaluated, and the functional significance of this variant is currently unknown. In summary, the available evidence is currently insufficient to determine the role of this variant in disease. Therefore, it has been classified as a Variant of Uncertain Significance.

NC_000002.11:g.(?_220150706)_(220290732_?)dup

Genes: DNPEP (aspartyl aminopeptidase; minus strand), DNPEP-AS1 (DNPEP antisense RNA 1; plus strand), PTPRN (protein tyrosine phosphatase receptor type N; minus strand), RESP18 (regulated endocrine specific protein 18; minus strand), MIR153-1 (microRNA 153-1; minus strand) and 11 more. Cytogenetic location: 2q35.
Variant type: Duplication.
Identifiers: ClinVar variation 473301 (VCV000473301.2).